The following is an entry in ClinVar:

ClinVar aggregate classification (germline): Uncertain significance. Review status: criteria provided, multiple submitters, no conflicts (2 of 4 stars). 3 submissions from 3 submitters: Uncertain significance (3). Last evaluated 2024-08-20.

Conditions:
Inborn genetic diseases. Identifiers: MedGen C0950123, MeSH D030342.

Allele frequency attached by ClinVar (database versions not stated): gnomAD exomes 0.00005; ExAC 0.00007; gnomAD 0.00036; TOPMed 0.00038; ESP Exome Variant Server 0.00041; 1000 Genomes Project 30x 0.00047; 1000 Genomes Project 0.00060.
gnomAD v4.1: 131 of 1,614,018 alleles (0.0081%); highest among the groups gnomAD compares: African/African-American, 0.15%; no homozygotes.

Submissions (3):

Ambry Genetics
Classification: Uncertain significance for Inborn genetic diseases. Last evaluated: 2024-08-20. Review status: criteria provided, single submitter. Criteria: Ambry Variant Classification Scheme 2023. Collection method: clinical testing. Allele origin: germline.

GeneDx
Classification: Uncertain significance. Last evaluated: 2024-06-18. Review status: criteria provided, single submitter. Criteria: GeneDx Variant Classification Process June 2021. Collection method: clinical testing. Allele origin: germline. Affected: yes.
Comment: In silico analysis indicates that this missense variant does not alter protein structure/function; Has not been previously published as pathogenic or benign to our knowledge

Labcorp Genetics (formerly Invitae), Labcorp
Classification: Uncertain significance. Last evaluated: 2022-08-21. Review status: criteria provided, single submitter. Criteria: Invitae Variant Classification Sherloc (09022015). Collection method: clinical testing. Allele origin: germline.
Comment: This sequence change replaces serine, which is neutral and polar, with asparagine, which is neutral and polar, at codon 176 of the HERC1 protein (p.Ser176Asn). This variant is present in population databases (rs144256848, gnomAD 0.1%). This variant has not been reported in the literature in individuals affected with HERC1-related conditions. Algorithms developed to predict the effect of missense changes on protein structure and function are either unavailable or do not agree on the potential impact of this missense change (SIFT: "Deleterious"; PolyPhen-2: "Benign"; Align-GVGD: "Class C0"). In summary, the available evidence is currently insufficient to determine the role of this variant in disease. Therefore, it has been classified as a Variant of Uncertain Significance.

NM_003922.4(HERC1):c.527G>A (p.Ser176Asn)

Gene: HERC1 (HECT and RLD domain containing E3 ubiquitin protein ligase family member 1; minus strand). Cytogenetic location: 15q22.31.
Variant type: single nucleotide variant.
Coding change: c.527G>A on transcript NM_003922.4 (MANE Select); coding-DNA position 527, G replaced by A.
Protein change: p.Ser176Asn; replaces serine 176 with asparagine.
Molecular consequence: missense variant.
Genome position (GRCh38, 1-based): chr15:63,775,097, C>T on the plus strand (G>A on the coding strand, the complement: HERC1 is on the minus strand). VCF-style: chr15-63775097-C-T. GRCh37 (hg19) VCF-style: chr15-64067296-C-T.
Other names: c.527G>A (NM_003922.3); short protein forms S176N.
Identifiers: ClinVar variation 2066946 (VCV002066946.3), dbSNP rs144256848, ClinGen allele CA7606645.